The following is an entry in ClinVar:

NM_001723.7(DST):c.3886A>G (p.Lys1296Glu)

Gene: DST (dystonin; minus strand). Cytogenetic location: 6p12.1.
Variant type: single nucleotide variant.
Coding change: c.3886A>G on transcript NM_001723.7 (MANE Plus Clinical); coding-DNA position 3886, A replaced by G.
Protein change: p.Lys1296Glu; replaces lysine 1296 with glutamic acid.
Molecular consequence: missense variant. On other transcripts: intron variant (10).
Genome position (GRCh38, 1-based): chr6:56,620,148, T>C on the plus strand (A>G on the coding strand, the complement: DST is on the minus strand). VCF-style: chr6-56620148-T-C. GRCh37 (hg19) VCF-style: chr6-56484946-T-C.
Other names: c.4830+4382A>G (NM_001144769.5); c.4929+4382A>G (NM_001374722.1, NM_001374736.1); c.4956+4382A>G (NM_001374734.1); c.4416+4382A>G (NM_001144770.2); c.4296+4382A>G (NM_001374730.1, NM_001386100.1, NM_183380.4 and 1 more transcripts); c.3318+4382A>G (NM_015548.5); short protein forms K1296E.
Identifiers: ClinVar variation 940483 (VCV000940483.15), dbSNP rs771246306, ClinGen allele CA3870636.

ClinVar aggregate classification (germline): Conflicting classifications of pathogenicity. Review status: criteria provided, conflicting classifications (1 of 4 stars). 4 submissions from 4 submitters: Uncertain significance (3); Likely benign (1). Last evaluated 2026-01-01.

Conditions:
Hereditary sensory and autonomic neuropathy type 6. Also called: Neuropathy, hereditary sensory and autonomic, type VI; HSAN VI. Identifiers: Orphanet 314381, MedGen C3539003, MONDO:0013839, OMIM 614653.
Epidermolysis bullosa simplex 3, localized or generalized intermediate, with BP230 deficiency (EBS3). Also called: Epidermolysis bullosa simplex, autosomal recessive 2; Epidermolysis bullosa simplex due to BP230 deficiency. Identifiers: Orphanet 412181, MedGen C3809470, MONDO:0014180, OMIM 615425.

Allele frequency attached by ClinVar (database versions not stated): TOPMed 0.00003; gnomAD 0.00004; ExAC 0.00005; gnomAD exomes 0.00005 and 0.00007.
gnomAD v4.1: 87 of 1,613,538 alleles (0.0054%); highest among the groups gnomAD compares: Middle Eastern, 0.12%; 1 homozygote.

Submissions (4):

CeGaT Center for Human Genetics Tuebingen
Classification: Likely benign. Last evaluated: 2026-01-01. Review status: criteria provided, single submitter. Criteria: CeGaT Center For Human Genetics Tuebingen Variant Classification Criteria Version 2. Collection method: clinical testing. Allele origin: germline. Affected: yes. Observed: 1 variant allele.
Comment: DST: PM2:Supporting, BP4, BS2

Labcorp Genetics (formerly Invitae), Labcorp
Classification: Uncertain significance for Epidermolysis bullosa simplex 3, localized or generalized intermediate, with BP230 deficiency; Hereditary sensory and autonomic neuropathy type 6. Last evaluated: 2022-07-05. Review status: criteria provided, single submitter. Criteria: Invitae Variant Classification Sherloc (09022015). Collection method: clinical testing. Allele origin: germline.
Comment: This sequence change replaces lysine, which is basic and polar, with glutamic acid, which is acidic and polar, at codon 1296 of the DST protein (p.Lys1296Glu). This variant is present in population databases (rs771246306, gnomAD 0.02%). In summary, the available evidence is currently insufficient to determine the role of this variant in disease. Therefore, it has been classified as a Variant of Uncertain Significance. Algorithms developed to predict the effect of missense changes on protein structure and function are either unavailable or do not agree on the potential impact of this missense change (SIFT: "Deleterious"; PolyPhen-2: "Benign"; Align-GVGD: "Class C0"). ClinVar contains an entry for this variant (Variation ID: 940483). This variant has not been reported in the literature in individuals affected with DST-related conditions.

Breda Genetics srl
Classification: Uncertain significance for Hereditary sensory and autonomic neuropathy type 6. Last evaluated: 2021-04-30. Review status: criteria provided, single submitter. Criteria: ACMG Guidelines, 2015. Collection method: clinical testing. Allele origin: inherited. Inheritance: Autosomal recessive inheritance. Affected: yes. Observed: 1 variant allele, 1 heterozygote.
Comment: Based on allele frequency, in-silico prediction scores and a certain overlap with the clinical phenotype, we interpreted this variant at least as of uncertain significance. The lack of one or more of the following features has discouraged further investigations: lack of a possible second hit in autosomal recessive conditions, presence of healthy controls in databases for autosomal dominant conditions, presence of unmatching cardinal clinical features in the patient or in the known gene-disease association, and/or variant type outside the known gene mutational spectrum.

Breakthrough Genomics
Classification: Uncertain significance. Review status: criteria provided, single submitter. Criteria: ACMG Guidelines, 2015. Collection method: not provided. Allele origin: germline. Inheritance: Autosomal recessive inheritance. Affected: yes.